The following is an entry in ClinVar:

ClinVar aggregate classification (germline): Conflicting classifications of pathogenicity. Review status: criteria provided, conflicting classifications (1 of 4 stars). 2 submissions from 2 submitters: Uncertain significance (1); Likely benign (1). Last evaluated 2025-05-29.

Conditions:
Inborn genetic diseases. Identifiers: MedGen C0950123, MeSH D030342.
Congenital myasthenic syndrome 5. Identifiers: Orphanet 590, MedGen C1864233, MONDO:0011281, OMIM 603034.

Allele frequency attached by ClinVar (database versions not stated): gnomAD exomes below 0.00001 and 0.00001; TOPMed 0.00001.
gnomAD v4.1: 8 of 1,613,964 alleles (0.0005%); highest among the groups gnomAD compares: Non-Finnish European, 0.00068%; no homozygotes.

Submissions (2):

Ambry Genetics
Classification: Likely benign for Inborn genetic diseases. Last evaluated: 2025-05-29. Review status: criteria provided, single submitter. Criteria: Ambry Variant Classification Scheme 2023. Collection method: clinical testing. Allele origin: germline.

Labcorp Genetics (formerly Invitae), Labcorp
Classification: Uncertain significance for Congenital myasthenic syndrome 5. Last evaluated: 2021-10-24. Review status: criteria provided, single submitter. Criteria: Invitae Variant Classification Sherloc (09022015). Collection method: clinical testing. Allele origin: germline.
Comment: This sequence change replaces alanine with valine at codon 369 of the COLQ protein (p.Ala369Val). The alanine residue is weakly conserved and there is a small physicochemical difference between alanine and valine. This variant is not present in population databases (ExAC no frequency). This variant has not been reported in the literature in individuals affected with COLQ-related conditions. Algorithms developed to predict the effect of missense changes on protein structure and function output the following: SIFT: "Tolerated"; PolyPhen-2: "Not Available"; Align-GVGD: "Class C0". The valine amino acid residue is found in multiple mammalian species, which suggests that this missense change does not adversely affect protein function. In summary, the available evidence is currently insufficient to determine the role of this variant in disease. Therefore, it has been classified as a Variant of Uncertain Significance.

NM_005677.4(COLQ):c.1106C>T (p.Ala369Val)

Gene: COLQ (collagen like tail subunit of asymmetric acetylcholinesterase; minus strand). Cytogenetic location: 3p25.1.
Variant type: single nucleotide variant.
Coding change: c.1106C>T on transcript NM_005677.4 (MANE Select); coding-DNA position 1106, C replaced by T.
Protein change: p.Ala369Val; replaces alanine 369 with valine.
Molecular consequence: missense variant.
Genome position (GRCh38, 1-based): chr3:15,455,988, G>A on the plus strand (C>T on the coding strand, the complement: COLQ is on the minus strand). VCF-style: chr3-15455988-G-A. GRCh37 (hg19) VCF-style: chr3-15497495-G-A.
Other names: c.1076C>T, p.Ala359Val (NM_080538.2); c.1004C>T, p.Ala335Val (NM_080539.4); c.1106C>T (NM_005677.3); short protein forms A359V, A335V, A369V.
Identifiers: ClinVar variation 1512393 (VCV001512393.4), dbSNP rs970111842, ClinGen allele CA70601551.